The following is an entry in ClinVar:

ClinVar aggregate classification (germline): Uncertain significance (1 of 4 stars; one submission).

Conditions:
Epileptic encephalopathy. Identifiers: MedGen C0543888, HP:0200134.

Allele frequency attached by ClinVar (database versions not stated): ExAC 0.00001; 1000 Genomes Project 30x 0.00016; gnomAD exomes below 0.00001 and 0.00001; TOPMed 0.00001; gnomAD 0.00001; 1000 Genomes Project 0.00020.
gnomAD v4.1: 6 of 1,613,520 alleles (0.00037%); highest among the groups gnomAD compares: African/African-American, 0.004%; no homozygotes.

Submission:

Labcorp Genetics (formerly Invitae), Labcorp
Classification: Uncertain significance for Epileptic encephalopathy. Last evaluated: 2021-08-06. Review status: criteria provided, single submitter. Criteria: Invitae Variant Classification Sherloc (09022015). Collection method: clinical testing. Allele origin: germline.
Comment: Algorithms developed to predict the effect of missense changes on protein structure and function do not agree on the potential impact of this missense change (SIFT: "Deleterious"; PolyPhen-2: "Benign"; Align-GVGD: "Class C0"). In summary, this variant is a rare missense change with uncertain impact on protein function. There is no indication that it causes disease, but the available evidence is currently insufficient to prove that conclusively. Therefore, it has been classified as a Variant of Uncertain Significance. Algorithms developed to predict the effect of sequence changes on RNA splicing suggest that this variant may alter RNA splicing, but this prediction has not been confirmed by published transcriptional studies. This variant is present in population databases (rs570514213, ExAC 0.01%) but has not been reported in the literature in individuals with a RYR3-related disease. This sequence change replaces asparagine with serine at codon 496 of the RYR3 protein (p.Asn496Ser). The asparagine residue is highly conserved and there is a small physicochemical difference between asparagine and serine.

NM_001036.6(RYR3):c.1487A>G (p.Asn496Ser)

Gene: RYR3 (ryanodine receptor 3; plus strand). Cytogenetic location: 15q14.
Variant type: single nucleotide variant.
Coding change: c.1487A>G on transcript NM_001036.6 (MANE Select); coding-DNA position 1487, A replaced by G.
Protein change: p.Asn496Ser; replaces asparagine 496 with serine.
Molecular consequence: missense variant.
Genome position (GRCh38, 1-based): chr15:33,581,557, A>G. VCF-style: chr15-33581557-A-G. GRCh37 (hg19) VCF-style: chr15-33873758-A-G.
Other names: c.1487A>G, p.Asn496Ser (NM_001243996.4); short protein forms N496S.
Identifiers: ClinVar variation 461881 (VCV000461881.10), dbSNP rs570514213, ClinGen allele CA7458149.